The following is an entry in ClinVar:

NM_003743.5(NCOA1):c.4213G>A (p.Gly1405Arg)

Gene: NCOA1 (nuclear receptor coactivator 1; plus strand). Cytogenetic location: 2p23.3.
Variant type: single nucleotide variant.
Coding change: c.4213G>A on transcript NM_003743.5 (MANE Select); coding-DNA position 4213, G replaced by A.
Protein change: p.Gly1405Arg; replaces glycine 1405 with arginine.
Molecular consequence: missense variant. On other transcripts: 3 prime UTR variant (5).
Genome position (GRCh38, 1-based): chr2:24,768,278, G>A. VCF-style: chr2-24768278-G-A. GRCh37 (hg19) VCF-style: chr2-24991147-G-A.
Other names: c.*70G>A (NM_001362950.1, NM_001362952.1, NM_001362955.1 and 1 more transcripts); c.*67G>A (NM_001362954.1); c.4210G>A, p.Gly1404Arg (NM_147233.2); short protein forms G1404R, G1405R.
Identifiers: ClinVar variation 3352229 (VCV003352229.1).

ClinVar aggregate classification (germline): Uncertain significance (0 of 4 stars; one submission).

Conditions:
NCOA1-related disorder. Also called: NCOA1-related condition.

gnomAD v4.1: 23 of 1,613,558 alleles (0.0014%); highest among the groups gnomAD compares: Non-Finnish European, 0.0017%; no homozygotes.

Submission:

PreventionGenetics, part of Exact Sciences
Classification: Uncertain significance for NCOA1-related condition. Last evaluated: 2024-03-22. Review status: no assertion criteria provided. Collection method: clinical testing. Allele origin: germline.
Comment: The NCOA1 c.4213G>A variant is predicted to result in the amino acid substitution p.Gly1405Arg. To our knowledge, this variant has not been reported in the literature. This variant is reported in 0.0035% of alleles in individuals of European (Non-Finnish) descent in gnomAD. At this time, the clinical significance of this variant is uncertain due to the absence of conclusive functional and genetic evidence.